The following is an entry in ClinVar:

NM_000059.4(BRCA2):c.8331+16C>G

Gene: BRCA2 (BRCA2 DNA repair associated; plus strand). Cytogenetic location: 13q13.1.
Variant type: single nucleotide variant.
Coding change: c.8331+16C>G on transcript NM_000059.4 (MANE Select); 16 bases into the intron after coding-DNA position 8331, C replaced by G.
Molecular consequence: intron variant.
Genome position (GRCh38, 1-based): chr13:32,363,549, C>G. VCF-style: chr13-32363549-C-G. GRCh37 (hg19) VCF-style: chr13-32937686-C-G.
Identifiers: ClinVar variation 182298 (VCV000182298.28), dbSNP rs730881595, ClinGen allele CA025577.
Genomic context (GRCh38, chr13:32,363,549, plus strand): 5'-GATGCCTGTACACCTCTTGAAGCCCCAGAATCTCTTATGTTAAAGGTAAATTAATTTGCA[C>G]TCTTGGTAAAAATCAGTCATTGATTCAGTTAAATTCTAGAAGTTTTACATTTAAATTTTA-3'

ClinVar aggregate classification (germline): Benign/Likely benign. Review status: criteria provided, multiple submitters, no conflicts (2 of 4 stars). 11 submissions from 11 submitters: Benign (1); Likely benign (5). 5 of the submissions do not count toward it. Last evaluated 2025-11-18.

Conditions:
BRCA2-related disorder. Also called: BRCA2-related condition; BRCA2-related disorders. Identifiers: MedGen CN239275.
Hereditary cancer-predisposing syndrome. Also called: Neoplastic Syndromes, Hereditary; Tumor predisposition; Hereditary neoplastic syndrome; Hereditary Cancer Syndrome. Identifiers: Orphanet 140162, MedGen C0027672, MeSH D009386, MONDO:0015356.
Hereditary breast ovarian cancer syndrome. Also called: Hereditary breast and/or ovarian cancer syndrome; Hereditary breast and ovarian cancer syndrome; Hereditary breast and ovarian cancer; Hereditary breast and ovarian cancer syndrome (HBOC); Breast and ovarian cancer; BRCA1- and BRCA2-Associated Hereditary Breast and Ovarian Cancer. Identifiers: Orphanet 145, MedGen C0677776, MeSH D061325, MONDO:0003582. Disease mechanism: loss of function.
Breast-ovarian cancer, familial, susceptibility to, 2 (BROVCA2). Also called: BRCA2 Hereditary Breast and Ovarian Cancer. Identifiers: Orphanet 145, MedGen C2675520, MONDO:0012933, OMIM 612555. Disease mechanism: loss of function.

Allele frequency attached by ClinVar (database versions not stated): gnomAD 0.00002 and 0.00003; gnomAD exomes 0.00003; TOPMed 0.00003; ExAC 0.00004.
gnomAD v4.1: 99 of 1,600,376 alleles (0.0062%); highest among the groups gnomAD compares: Non-Finnish European, 0.0083%; no homozygotes.

Submissions (11):

PreventionGenetics, part of Exact Sciences
Classification: Likely benign for BRCA2-related condition. Last evaluated: 2025-11-18. Review status: criteria provided, single submitter. Criteria: ACMG Guidelines, 2015. Collection method: clinical testing. Allele origin: germline.
Comment: This variant is classified as likely benign based on ACMG/AMP sequence variant interpretation guidelines (Richards et al. 2015 PMID: 25741868, with internal and published modifications).

Labcorp Genetics (formerly Invitae), Labcorp
Classification: Likely benign for Hereditary breast ovarian cancer syndrome. Last evaluated: 2025-11-17. Review status: criteria provided, single submitter. Criteria: Invitae Variant Classification Sherloc (09022015). Collection method: clinical testing. Allele origin: germline.

Women's Health and Genetics/Laboratory Corporation of America, LabCorp
Classification: Likely benign. Last evaluated: 2025-05-06. Review status: criteria provided, single submitter. Criteria: LabCorp Variant Classification Summary - May 2015. Collection method: clinical testing. Allele origin: germline.
Comment: Variant summary: BRCA2 c.8331+16C>G alters a non-conserved nucleotide located at a position not widely known to affect splicing. Consensus agreement among computation tools predict no significant impact on normal splicing. However, these predictions have yet to be confirmed by functional studies. The variant allele was found at a frequency of 2.9e-05 in 245230 control chromosomes. The available data on variant occurrences in the general population are insufficient to allow any conclusion about variant significance.c.8331+16C>G has been reported in the literature in individuals affected with Hereditary Breast and Ovarian Cancer. These report(s) do not provide unequivocal conclusions about association of the variant with Hereditary Breast and Ovarian Cancer (example, Levene_2003, Hansen_2011, Thery_2011,). At-least two co-occurrences with pathogenic variants have been reported in the UMD database and in the literature [BRCA2 c.7008-1G>A (UMD database); BRCA1 c.68_69delAG, p.Glu23ValfsX17 (Hansen_2011)], providing supporting evidence for a benign role. The following publications have been ascertained in the context of this evaluation (PMID: 21318380, 14574163, 21673748).ClinVar contains an entry for this variant (Variation ID: 182298). Based on the evidence outlined above, the variant was classified as likely benign.

Center for Genomic Medicine, Rigshospitalet, Copenhagen University Hospital
Classification: Likely benign. Last evaluated: 2025-03-04. Review status: criteria provided, single submitter. Criteria: ACMG Guidelines, 2015. Collection method: clinical testing. Allele origin: germline.

Color Diagnostics, LLC DBA Color Health
Classification: Likely benign for Hereditary cancer-predisposing syndrome. Last evaluated: 2016-12-19. Review status: criteria provided, single submitter. Criteria: ACMG Guidelines, 2015. Collection method: clinical testing. Allele origin: germline.

GeneDx
Classification: Benign. Last evaluated: 2014-10-01. Review status: criteria provided, single submitter. Criteria: GeneDx Variant Classification (06012015). Collection method: clinical testing. Allele origin: germline. Affected: yes.
Comment: This variant is considered likely benign or benign based on one or more of the following criteria: it is a conservative change, it occurs at a poorly conserved position in the protein, it is predicted to be benign by multiple in silico algorithms, and/or has population frequency not consistent with disease.

Counsyl
Classification: Likely benign for Breast-ovarian cancer, familial, susceptibility to, 2. Last evaluated: 2017-03-20. Review status: no assertion criteria provided. Collection method: clinical testing. Allele origin: unknown. Not counted in ClinVar's aggregate classification.

Clinical Genetics DNA and cytogenetics Diagnostics Lab, Erasmus MC, Erasmus Medical Center
Classification: Likely benign. Review status: no assertion criteria provided. Collection method: clinical testing. Allele origin: germline. Affected: yes. Study: VKGL Data-share Consensus. Not counted in ClinVar's aggregate classification.

Genome Diagnostics Laboratory, University Medical Center Utrecht
Classification: Likely benign. Review status: no assertion criteria provided. Collection method: clinical testing. Allele origin: germline. Affected: yes. Study: VKGL Data-share Consensus. Not counted in ClinVar's aggregate classification.

Joint Genome Diagnostic Labs from Nijmegen and Maastricht, Radboudumc and MUMC+
Classification: Likely benign. Review status: no assertion criteria provided. Collection method: clinical testing. Allele origin: germline. Affected: yes. Study: VKGL Data-share Consensus. Not counted in ClinVar's aggregate classification.

Laboratory of Diagnostic Genome Analysis, Leiden University Medical Center (LUMC)
Classification: Likely benign. Review status: no assertion criteria provided. Collection method: clinical testing. Allele origin: germline. Affected: yes. Study: VKGL Data-share Consensus. Not counted in ClinVar's aggregate classification.

Literature cited by the submitters: PubMed 14574163 (cited by Women's Health and Genetics/Laboratory Corporation of America, LabCorp and Counsyl); PubMed 21673748 (cited by Women's Health and Genetics/Laboratory Corporation of America, LabCorp and Counsyl); PubMed 21318380 (cited by Women's Health and Genetics/Laboratory Corporation of America, LabCorp and Counsyl).